The following is an entry in ClinVar:

ClinVar aggregate classification (germline): Uncertain significance (1 of 4 stars; one submission).

Conditions:
Curry-Hall syndrome (WAD). Also called: WEYERS ACRODENTAL DYSOSTOSIS. Identifiers: Orphanet 952, MedGen C0457013, MONDO:0008673, OMIM 193530.
Ellis-van Creveld syndrome (EVC). Also called: EVC-Related Ellis-van Creveld Syndrome; EVC2-Related Ellis-van Creveld Syndrome; MESOECTODERMAL DYSPLASIA; Chondroectodermal dysplasia. Identifiers: Orphanet 289, MedGen C0013903, MONDO:0009162, OMIM 225500.

gnomAD v4.1: 86 of 1,501,926 alleles (0.0057%); highest among the groups gnomAD compares: South Asian, 0.1%; no homozygotes.

Submission:

Labcorp Genetics (formerly Invitae), Labcorp
Classification: Uncertain significance for Curry-Hall syndrome; Ellis-van Creveld syndrome. Last evaluated: 2024-05-29. Review status: criteria provided, single submitter. Criteria: Invitae Variant Classification Sherloc (09022015). Collection method: clinical testing. Allele origin: germline.
Comment: This sequence change replaces arginine, which is basic and polar, with cysteine, which is neutral and slightly polar, at codon 36 of the EVC2 protein (p.Arg36Cys). This variant is present in population databases (rs534751425, gnomAD 0.09%). This variant has not been reported in the literature in individuals affected with EVC2-related conditions. Algorithms developed to predict the effect of missense changes on protein structure and function output the following: SIFT: "Not Available"; PolyPhen-2: "Benign"; Align-GVGD: "Not Available". The cysteine amino acid residue is found in multiple mammalian species, which suggests that this missense change does not adversely affect protein function. In summary, the available evidence is currently insufficient to determine the role of this variant in disease. Therefore, it has been classified as a Variant of Uncertain Significance.

NM_147127.5(EVC2):c.106C>T (p.Arg36Cys)

Gene: EVC2 (EvC ciliary complex subunit 2; minus strand). Cytogenetic location: 4p16.2.
Variant type: single nucleotide variant.
Coding change: c.106C>T on transcript NM_147127.5 (MANE Select); coding-DNA position 106, C replaced by T.
Protein change: p.Arg36Cys; replaces arginine 36 with cysteine.
Molecular consequence: missense variant. On other transcripts: intron variant (1).
Genome position (GRCh38, 1-based): chr4:5,708,408, G>A on the plus strand (C>T on the coding strand, the complement: EVC2 is on the minus strand). VCF-style: chr4-5708408-G-A. GRCh37 (hg19) VCF-style: chr4-5710135-G-A.
Other names: c.-13+421C>T (NM_001166136.2); short protein forms R36C.
Identifiers: ClinVar variation 3760557 (VCV003760557.1).